The following is an entry in ClinVar:

NM_003073.5(SMARCB1):c.985A>G (p.Ser329Gly)

Gene: SMARCB1 (SWI/SNF related BAF chromatin remodeling complex subunit B1; plus strand). Cytogenetic location: 22q11.23.
Variant type: single nucleotide variant.
Coding change: c.985A>G on transcript NM_003073.5 (MANE Select); coding-DNA position 985, A replaced by G.
Protein change: p.Ser329Gly; replaces serine 329 with glycine.
Molecular consequence: missense variant.
Genome position (GRCh38, 1-based): chr22:23,825,414, A>G. VCF-style: chr22-23825414-A-G. GRCh37 (hg19) VCF-style: chr22-24167601-A-G.
Other names: c.985A>G (LRG_520t1); c.958A>G, p.Ser320Gly (NM_001007468.3); c.1012A>G, p.Ser338Gly (NM_001317946.2); c.1039A>G, p.Ser347Gly (NM_001362877.2); short protein forms S329G, S320G, S338G, S347G.
Identifiers: ClinVar variation 566461 (VCV000566461.10), dbSNP rs1568957782, ClinGen allele CA410908341.
Genomic context (GRCh38, chr22:23,825,414, plus strand): 5'-ACCACCATCGCATACAGCATCCGGGGACAGCTGAGCTGGCATCAGAAGACCTACGCCTTC[A>G]GGTAGGATCATGCATGAGTCTCTCCCTCCCTCATCTCCCTGCAAAACTGTTTTGAGAAAG-3'
Protein context (NP_003064.2, residues 319-339): LSWHQKTYAF[Ser329Gly]ENPLPTVEIA

ClinVar aggregate classification (germline): Uncertain significance (1 of 4 stars; one submission).

Submission:

Labcorp Genetics (formerly Invitae), Labcorp
Classification: Uncertain significance. Last evaluated: 2023-07-10. Review status: criteria provided, single submitter. Criteria: Invitae Variant Classification Sherloc (09022015). Collection method: clinical testing. Allele origin: germline.
Comment: This variant has not been reported in the literature in individuals affected with SMARCB1-related conditions. In summary, the available evidence is currently insufficient to determine the role of this variant in disease. Therefore, it has been classified as a Variant of Uncertain Significance. An algorithm developed to predict the effect of missense changes on protein structure and function (PolyPhen-2) suggests that this variant is likely to be tolerated. ClinVar contains an entry for this variant (Variation ID: 566461). This variant is not present in population databases (gnomAD no frequency). This sequence change replaces serine, which is neutral and polar, with glycine, which is neutral and non-polar, at codon 329 of the SMARCB1 protein (p.Ser329Gly).